The following is an entry in ClinVar:

NM_000388.4(CASR):c.1333A>C (p.Thr445Pro)

Gene: CASR (calcium sensing receptor; plus strand). Cytogenetic location: 3q21.1.
Variant type: single nucleotide variant.
Coding change: c.1333A>C on transcript NM_000388.4 (MANE Select); coding-DNA position 1333, A replaced by C.
Protein change: p.Thr445Pro; replaces threonine 445 with proline.
Molecular consequence: missense variant.
Genome position (GRCh38, 1-based): chr3:122,262,368, A>C. VCF-style: chr3-122262368-A-C. GRCh37 (hg19) VCF-style: chr3-121981215-A-C.
Other names: c.1333A>C, p.Thr445Pro (NM_001178065.2); short protein forms T445P.
Identifiers: ClinVar variation 2076354 (VCV002076354.4), dbSNP rs12493789, ClinGen allele CA354153170.

ClinVar aggregate classification (germline): Uncertain significance (1 of 4 stars; one submission).

Conditions:
Familial hypocalciuric hypercalcemia (FHH). Also called: Familial benign hypercalcemia. Identifiers: Orphanet 405, MedGen C1809471, MONDO:0018458.
Autosomal dominant hypocalcemia 1 (HYPOC1). Also called: HYPOCALCEMIA, FAMILIAL. Identifiers: MedGen C3715128, MONDO:0011013, OMIM 601198.

Submission:

Labcorp Genetics (formerly Invitae), Labcorp
Classification: Uncertain significance for Familial hypocalciuric hypercalcemia; Autosomal dominant hypocalcemia 1. Last evaluated: 2022-03-18. Review status: criteria provided, single submitter. Criteria: Invitae Variant Classification Sherloc (09022015). Collection method: clinical testing. Allele origin: germline.
Comment: This sequence change replaces threonine, which is neutral and polar, with proline, which is neutral and non-polar, at codon 445 of the CASR protein (p.Thr445Pro). This variant is not present in population databases (gnomAD no frequency). This variant has not been reported in the literature in individuals affected with CASR-related conditions. Algorithms developed to predict the effect of missense changes on protein structure and function are either unavailable or do not agree on the potential impact of this missense change (SIFT: "Deleterious"; PolyPhen-2: "Benign"; Align-GVGD: "Class C0"). In summary, the available evidence is currently insufficient to determine the role of this variant in disease. Therefore, it has been classified as a Variant of Uncertain Significance.